The following is an entry in ClinVar:

NM_005033.3(EXOSC9):c.398G>A (p.Arg133His)

Gene: EXOSC9 (exosome component 9; plus strand). Cytogenetic location: 4q27.
Variant type: single nucleotide variant.
Coding change: c.398G>A on transcript NM_005033.3 (MANE Select); coding-DNA position 398, G replaced by A.
Protein change: p.Arg133His; replaces arginine 133 with histidine.
Molecular consequence: missense variant.
Genome position (GRCh38, 1-based): chr4:121,804,635, G>A. VCF-style: chr4-121804635-G-A. GRCh37 (hg19) VCF-style: chr4-122725790-G-A.
Other names: c.398G>A, p.Arg133His (NM_001034194.2); c.398G>A (NM_001034194.1); short protein forms R133H.
Identifiers: ClinVar variation 1410896 (VCV001410896.6), dbSNP rs201693852, ClinGen allele CA3063395.

ClinVar aggregate classification (germline): Uncertain significance. Review status: criteria provided, multiple submitters, no conflicts (2 of 4 stars). 2 submissions from 2 submitters: Uncertain significance (2). Last evaluated 2026-01-11.

Conditions:
Inborn genetic diseases. Identifiers: MedGen C0950123, MeSH D030342.

gnomAD v4.1: 36 of 1,596,416 alleles (0.0023%); highest among the groups gnomAD compares: Non-Finnish European, 0.0027%; no homozygotes.

Submissions (2):

Labcorp Genetics (formerly Invitae), Labcorp
Classification: Uncertain significance. Last evaluated: 2026-01-11. Review status: criteria provided, single submitter. Criteria: Invitae Variant Classification Sherloc (09022015). Collection method: clinical testing. Allele origin: germline.
Comment: This sequence change replaces arginine, which is basic and polar, with histidine, which is basic and polar, at codon 133 of the EXOSC9 protein (p.Arg133His). This variant is present in population databases (rs201693852, gnomAD 0.004%). This variant has not been reported in the literature in individuals affected with EXOSC9-related conditions. ClinVar contains an entry for this variant (Variation ID: 1410896). Invitae Evidence Modeling of protein sequence and biophysical properties (such as structural, functional, and spatial information, amino acid conservation, physicochemical variation, residue mobility, and thermodynamic stability) indicates that this missense variant is expected to disrupt EXOSC9 protein function with a positive predictive value of 80%. In summary, the available evidence is currently insufficient to determine the role of this variant in disease. Therefore, it has been classified as a Variant of Uncertain Significance.

Ambry Genetics
Classification: Uncertain significance for Inborn genetic diseases. Last evaluated: 2025-08-28. Review status: criteria provided, single submitter. Criteria: Ambry Variant Classification Scheme 2023. Collection method: clinical testing. Allele origin: germline.